The following is an entry in ClinVar:

NM_000440.3(PDE6A):c.2239G>T (p.Asp747Tyr)

Gene: PDE6A (phosphodiesterase 6A; minus strand). Cytogenetic location: 5q32.
Variant type: single nucleotide variant.
Coding change: c.2239G>T on transcript NM_000440.3 (MANE Select); coding-DNA position 2239, G replaced by T.
Protein change: p.Asp747Tyr; replaces aspartic acid 747 with tyrosine.
Molecular consequence: missense variant.
Genome position (GRCh38, 1-based): chr5:149,867,760, C>A on the plus strand (G>T on the coding strand, the complement: PDE6A is on the minus strand). VCF-style: chr5-149867760-C-A. GRCh37 (hg19) VCF-style: chr5-149247323-C-A.
Other names: short protein forms D747Y.
Identifiers: ClinVar variation 1436202 (VCV001436202.6), dbSNP rs993342286, ClinGen allele CA129053053.
Genomic context (GRCh38, chr5:149,867,760, plus strand): 5'-AGGCTGACATCCCCTGTCTACTCACAATGGGATTCTGTTGCAGCACCGTGCGCTCCAGGT[C>A]ACCTTGTTCCCAGAATTCAGCAGCCACCAGCAGAGCTACCTGCAACAGACAGACCCTCAC-3'
Protein context (NP_000431.2, residues 737-757): LVAAEFWEQG[Asp747Tyr]LERTVLQQNP

ClinVar aggregate classification (germline): Uncertain significance (1 of 4 stars; one submission).

Allele frequency attached by ClinVar (database versions not stated): TOPMed below 0.00001.
gnomAD v4.1: 5 of 1,613,880 alleles (0.00031%); highest among the groups gnomAD compares: Non-Finnish European, 0.00034%; no homozygotes.

Submission:

Labcorp Genetics (formerly Invitae), Labcorp
Classification: Uncertain significance. Last evaluated: 2024-03-23. Review status: criteria provided, single submitter. Criteria: Invitae Variant Classification Sherloc (09022015). Collection method: clinical testing. Allele origin: germline.
Comment: This sequence change replaces aspartic acid, which is acidic and polar, with tyrosine, which is neutral and polar, at codon 747 of the PDE6A protein (p.Asp747Tyr). This variant is not present in population databases (gnomAD no frequency). This variant has not been reported in the literature in individuals affected with PDE6A-related conditions. ClinVar contains an entry for this variant (Variation ID: 1436202). Advanced modeling of protein sequence and biophysical properties (such as structural, functional, and spatial information, amino acid conservation, physicochemical variation, residue mobility, and thermodynamic stability) performed at Invitae indicates that this missense variant is expected to disrupt PDE6A protein function with a positive predictive value of 80%. In summary, the available evidence is currently insufficient to determine the role of this variant in disease. Therefore, it has been classified as a Variant of Uncertain Significance.